The following is an entry in ClinVar:

ClinVar aggregate classification (germline): Benign/Likely benign. Review status: criteria provided, multiple submitters, no conflicts (2 of 4 stars). 3 submissions from 3 submitters: Benign (1); Likely benign (2). Last evaluated 2025-08-02.

Allele frequency attached by ClinVar (database versions not stated): gnomAD 0.00006 and 0.00007; TOPMed 0.00009; ESP Exome Variant Server 0.00019.
gnomAD v4.1: 79 of 1,209,545 alleles (0.0065%); highest among the groups gnomAD compares: South Asian, 0.019%; no homozygotes.

Submissions (3):

Labcorp Genetics (formerly Invitae), Labcorp
Classification: Benign. Last evaluated: 2025-08-02. Review status: criteria provided, single submitter. Criteria: Invitae Variant Classification Sherloc (09022015). Collection method: clinical testing. Allele origin: germline.

Blueprint Genetics
Classification: Likely benign. Last evaluated: 2024-11-13. Review status: criteria provided, single submitter. Criteria: ACMG Guidelines, 2015. Collection method: clinical testing. Allele origin: germline.

CeGaT Center for Human Genetics Tuebingen
Classification: Likely benign. Last evaluated: 2022-06-01. Review status: criteria provided, single submitter. Criteria: CeGaT Center For Human Genetics Tuebingen Variant Classification Criteria Version 2. Collection method: clinical testing. Allele origin: germline. Affected: yes. Observed: 1 variant allele.
Comment: NEXMIF: BP4

NM_001008537.3(NEXMIF):c.4235G>A (p.Arg1412His)

Gene: NEXMIF (neurite extension and migration factor; minus strand). Cytogenetic location: Xq13.3.
Variant type: single nucleotide variant.
Coding change: c.4235G>A on transcript NM_001008537.3 (MANE Select); coding-DNA position 4235, G replaced by A.
Protein change: p.Arg1412His; replaces arginine 1412 with histidine.
Molecular consequence: missense variant.
Genome position (GRCh38, 1-based): chrX:74,740,322, C>T on the plus strand (G>A on the coding strand, the complement: NEXMIF is on the minus strand). VCF-style: chrX-74740322-C-T. GRCh37 (hg19) VCF-style: chrX-73960157-C-T.
Other names: short protein forms R1412H.
Identifiers: ClinVar variation 765449 (VCV000765449.33), dbSNP rs374045534, ClinGen allele CA10454862.